The following is an entry in ClinVar:

ClinVar aggregate classification (germline): Conflicting classifications of pathogenicity. Review status: criteria provided, conflicting classifications (1 of 4 stars). 13 submissions from 13 submitters: Uncertain significance (1); Benign (5); Likely benign (5). 2 of the submissions do not count toward it. Last evaluated 2026-02-04.

Conditions:
SDHA-related disorder. Also called: SDHA-related condition; SDHA-related disorders.
Mitochondrial complex II deficiency, nuclear type 1. Also called: SUCCINATE CoQ REDUCTASE DEFICIENCY. Identifiers: Orphanet 3208, MedGen C5700310, MONDO:0100294, OMIM 252011.
Dilated cardiomyopathy 1GG (CMD1GG). Identifiers: Orphanet 154, MedGen C3150898, MONDO:0013339, OMIM 613642.
Pheochromocytoma/paraganglioma syndrome 5. Also called: Paragangliomas 5; SDHA-Related Hereditary Paraganglioma-Pheochromocytoma Syndrome. Identifiers: Orphanet 29072, MedGen C3279992, MONDO:0013602, OMIM 614165.
Neurodegeneration with ataxia and late-onset optic atrophy. Identifiers: MedGen C5543254, MONDO:0031006, OMIM 619259.
Hereditary cancer-predisposing syndrome. Also called: Neoplastic Syndromes, Hereditary; Hereditary Cancer Syndrome; Tumor predisposition; Hereditary neoplastic syndrome. Identifiers: Orphanet 140162, MedGen C0027672, MeSH D009386, MONDO:0015356.

Allele frequency attached by ClinVar (database versions not stated): gnomAD exomes 0.00029 and 0.00067; ExAC 0.00083; gnomAD 0.00250 and 0.00261; TOPMed 0.00270; ESP Exome Variant Server 0.00284; 1000 Genomes Project 30x 0.00359; 1000 Genomes Project 0.00419.
gnomAD v4.1: 800 of 1,611,450 alleles (0.05%); highest among the groups gnomAD compares: African/African-American, 0.99%; 4 homozygotes.

Submissions (13):

Labcorp Genetics (formerly Invitae), Labcorp
Classification: Benign for Pheochromocytoma/paraganglioma syndrome 5; Mitochondrial complex II deficiency, nuclear type 1. Last evaluated: 2026-02-04. Review status: criteria provided, single submitter. Criteria: Invitae Variant Classification Sherloc (09022015). Collection method: clinical testing. Allele origin: germline.

Quest Diagnostics Nichols Institute San Juan Capistrano
Classification: Benign. Last evaluated: 2025-07-15. Review status: criteria provided, single submitter. Criteria: Quest Diagnostics criteria. Collection method: clinical testing. Allele origin: unknown.

Blueprint Genetics
Classification: Likely benign. Last evaluated: 2024-10-17. Review status: criteria provided, single submitter. Criteria: ACMG Guidelines, 2015. Collection method: clinical testing. Allele origin: germline.

Mayo Clinic Laboratories, Mayo Clinic
Classification: Likely benign. Last evaluated: 2024-10-14. Review status: criteria provided, single submitter. Criteria: ACMG Guidelines, 2015. Collection method: clinical testing. Allele origin: germline. Observed: 4 variant alleles.
Comment: BA1

Department of Pathology and Laboratory Medicine, Sinai Health System
Classification: Likely benign for Mitochondrial complex II deficiency, nuclear type 1; Dilated cardiomyopathy 1GG; Pheochromocytoma/paraganglioma syndrome 5; Neurodegeneration with ataxia and late-onset optic atrophy. Last evaluated: 2023-08-28. Review status: criteria provided, single submitter. Criteria: ACMG Guidelines, 2015. Collection method: clinical testing. Allele origin: germline. Affected: yes.

Myriad Genetics, Inc.
Classification: Uncertain significance for Pheochromocytoma/paraganglioma syndrome 5. Last evaluated: 2023-04-24. Review status: criteria provided, single submitter. Criteria: Myriad Autosomal Dominant, Autosomal Recessive and X-Linked Classification Criteria (2023). Collection method: clinical testing. Allele origin: unknown.
Comment: This variant is classified as a variant of uncertain significance as there is insufficient evidence to determine its impact on protein function and/or cancer risk.

GeneDx
Classification: Likely benign. Last evaluated: 2021-05-10. Review status: criteria provided, single submitter. Criteria: GeneDx Variant Classification Process June 2021. Collection method: clinical testing. Allele origin: germline. Affected: yes.

Genetic Services Laboratory, University of Chicago
Classification: Benign. Last evaluated: 2021-04-28. Review status: criteria provided, single submitter. Criteria: ACMG Guidelines, 2015. Collection method: clinical testing. Allele origin: germline. Affected: no.

Sema4
Classification: Benign for Hereditary cancer-predisposing syndrome. Last evaluated: 2020-02-26. Review status: criteria provided, single submitter. Criteria: Sema4 Curation Guidelines. Collection method: curation. Allele origin: germline.

Ambry Genetics
Classification: Benign for Hereditary cancer-predisposing syndrome. Last evaluated: 2018-10-17. Review status: criteria provided, single submitter. Criteria: Ambry Variant Classification Scheme 2023. Collection method: clinical testing. Allele origin: germline.

Breakthrough Genomics
Classification: Likely benign. Review status: criteria provided, single submitter. Criteria: ACMG Guidelines, 2015. Collection method: not provided. Allele origin: germline. Inheritance: Autosomal recessive inheritance. Affected: yes.

PreventionGenetics, part of Exact Sciences
Classification: Benign for SDHA-related condition. Last evaluated: 2019-09-09. Review status: no assertion criteria provided. Collection method: clinical testing. Allele origin: germline. Not counted in ClinVar's aggregate classification.
Comment: This variant is classified as benign based on ACMG/AMP sequence variant interpretation guidelines (Richards et al. 2015 PMID: 25741868, with internal and published modifications).

Counsyl
Classification: Likely benign for Pheochromocytoma/paraganglioma syndrome 5. Last evaluated: 2015-11-18. Review status: no assertion criteria provided. Collection method: clinical testing. Allele origin: unknown. Not counted in ClinVar's aggregate classification.

Literature cited by the submitters: PubMed 36289338 (cited by Quest Diagnostics Nichols Institute San Juan Capistrano and Department of Pathology and Laboratory Medicine, Sinai Health System); PubMed 28873162 (cited by Quest Diagnostics Nichols Institute San Juan Capistrano).

NM_004168.4(SDHA):c.146A>G (p.Asp49Gly)

Gene: SDHA (succinate dehydrogenase complex flavoprotein subunit A; plus strand). Cytogenetic location: 5p15.33.
Variant type: single nucleotide variant.
Coding change: c.146A>G on transcript NM_004168.4 (MANE Select); coding-DNA position 146, A replaced by G.
Protein change: p.Asp49Gly; replaces aspartic acid 49 with glycine.
Molecular consequence: missense variant.
Genome position (GRCh38, 1-based): chr5:223,564, A>G. VCF-style: chr5-223564-A-G. GRCh37 (hg19) VCF-style: chr5-223679-A-G.
Other names: p.Asp49Gly; c.146A>G, p.Asp49Gly (NM_001294332.2, NM_001330758.2); short protein forms D49G.
Identifiers: ClinVar variation 141767 (VCV000141767.32), dbSNP rs80207011, ClinGen allele CA166372.
Genomic context (GRCh38, chr5:223,564, plus strand): 5'-GAACCCGAGGTTTTCACTTCACTGTTGATGGGAACAAGAGGGCATCTGCTAAAGTTTCAG[A>G]TTCCGTAAGTTCATGCTTTTTGTTCCATTATAAATGATTTTTTTGGCTTAGGGGGTAAGG-3'
Protein context (NP_004159.2, residues 39-59): GNKRASAKVS[Asp49Gly]SISAQYPVVD